The following is an entry in ClinVar:

ClinVar aggregate classification (germline): Pathogenic (1 of 4 stars; one submission).

Conditions:
Neurofibromatosis, type 1 (NF1). Also called: Neurofibromatosis, type I; NEUROFIBROMATOSIS, TYPE I, SOMATIC; Peripheral type neurofibromatosis; VON RECKLINGHAUSEN DISEASE. Identifiers: Orphanet 636, MedGen C0027831, MONDO:0018975, OMIM 162200. Disease mechanism: loss of function.

Submission:

Labcorp Genetics (formerly Invitae), Labcorp
Classification: Pathogenic for Neurofibromatosis, type 1. Last evaluated: 2023-06-17. Review status: criteria provided, single submitter. Criteria: Invitae Variant Classification Sherloc (09022015). Collection method: clinical testing. Allele origin: germline.
Comment: This sequence change creates a premature translational stop signal (p.Ser1916Leufs*5) in the NF1 gene. It is expected to result in an absent or disrupted protein product. Loss-of-function variants in NF1 are known to be pathogenic (PMID: 10712197, 23913538). This premature translational stop signal has been observed in individual(s) with clinical features of neurofibromatosis, type 1 (PMID: 30530636). For these reasons, this variant has been classified as Pathogenic. This variant is not present in population databases (gnomAD no frequency).

Literature cited by the submitters: PubMed 10712197; PubMed 23913538; PubMed 30530636.

NM_001042492.3(NF1):c.5809del (p.Ser1937fs)

Gene: NF1 (neurofibromin 1; plus strand). Cytogenetic location: 17q11.2.
Variant type: Deletion.
Coding change: c.5809del on transcript NM_001042492.3 (MANE Select); coding-DNA position 5809, one base deleted (T; older notation c.5809delT).
Protein change: p.Ser1937fs; shifts the reading frame from serine 1937.
Molecular consequence: frameshift variant.
Genome position (GRCh38, 1-based): chr17:31,330,495, T deleted. VCF-style (leftmost placement, unchanged base first): chr17-31330494-AT-A. GRCh37 (hg19) VCF-style: chr17-29657512-AT-A.
Other names: c.5746delT, p.Ser1916Leufs (NM_000267.4); short protein forms S1937fs, S1916fs.
Identifiers: ClinVar variation 2718598 (VCV002718598.3), dbSNP rs2508719748, ClinGen allele CA2697559564.
Genomic context (GRCh38, chr17:31,330,494, plus strand): 5'-AGCCAATGAGCCACACCTCACGTTAGAATTTTTGGAAGAGTGTATTTCTGGATTTAGCAA[AT>A]CTAGTAAGTAATGATAATTTTCTTTAATACTAACAATTATTCTAAGAGAATTCAAAGAAA-3'